The following is an entry in ClinVar:

NM_000827.4(GRIA1):c.862-5A>G

Gene: GRIA1 (glutamate ionotropic receptor AMPA type subunit 1; plus strand). Cytogenetic location: 5q33.2.
Variant type: single nucleotide variant.
Coding change: c.862-5A>G on transcript NM_000827.4 (MANE Select); 5 bases into the intron before coding-DNA position 862, A replaced by G.
Molecular consequence: intron variant.
Genome position (GRCh38, 1-based): chr5:153,676,989, A>G. VCF-style: chr5-153676989-A-G. GRCh37 (hg19) VCF-style: chr5-153056549-A-G.
Other names: c.889-5A>G (NM_001364166.2); c.655-5A>G (NM_001364167.2, NM_001258023.1); c.577-5A>G (NM_001258020.2); c.862-5A>G (NM_001114183.2); c.861+2328A>G (NM_001364165.2); c.622-5A>G (NM_001258019.2); c.892-5A>G (NM_001258021.2, NM_001258022.2).
Identifiers: ClinVar variation 2241146 (VCV002241146.2), dbSNP rs746887407, ClinGen allele CA3524450.

ClinVar aggregate classification (germline): Uncertain significance (1 of 4 stars; one submission).

Conditions:
Inborn genetic diseases. Identifiers: MedGen C0950123, MeSH D030342.

Allele frequency attached by ClinVar (database versions not stated): TOPMed below 0.00001; ExAC 0.00001.
gnomAD v4.1: 2 of 1,412,466 alleles (0.00014%); highest among the groups gnomAD compares: South Asian, 0.0035%; no homozygotes.

Submission:

Ambry Genetics
Classification: Uncertain significance for Inborn genetic diseases. Last evaluated: 2021-09-02. Review status: criteria provided, single submitter. Criteria: Ambry Variant Classification Scheme 2023. Collection method: clinical testing. Allele origin: germline.
Comment: The c.862-5A>G intronic alteration consists of a A to G substitution 5 nucleotides before exon 7 of the GRIA1 gene. Based on insufficient or conflicting evidence, the clinical significance of this alteration remains unclear.